The following is an entry in ClinVar:

NM_177550.5(SLC13A5):c.569G>A (p.Gly190Asp)

Gene: SLC13A5 (solute carrier family 13 member 5; minus strand). Cytogenetic location: 17p13.1.
Variant type: single nucleotide variant.
Coding change: c.569G>A on transcript NM_177550.5 (MANE Select); coding-DNA position 569, G replaced by A.
Protein change: p.Gly190Asp; replaces glycine 190 with aspartic acid.
Molecular consequence: missense variant.
Genome position (GRCh38, 1-based): chr17:6,703,117, C>T on the plus strand (G>A on the coding strand, the complement: SLC13A5 is on the minus strand). VCF-style: chr17-6703117-C-T. GRCh37 (hg19) VCF-style: chr17-6606436-C-T.
Other names: c.569G>A, p.Gly190Asp (NM_001143838.3); c.518G>A, p.Gly173Asp (NM_001284509.2); c.440G>A, p.Gly147Asp (NM_001284510.2); c.569G>A (NM_177550.3); short protein forms G147D, G173D, G190D.
Identifiers: ClinVar variation 940383 (VCV000940383.6), dbSNP rs766313348, ClinGen allele CA8331669.

ClinVar aggregate classification (germline): Uncertain significance. Review status: criteria provided, multiple submitters, no conflicts (2 of 4 stars). 2 submissions from 2 submitters: Uncertain significance (2). Last evaluated 2022-12-13.

Conditions:
Inborn genetic diseases. Identifiers: MedGen C0950123, MeSH D030342.
Developmental and epileptic encephalopathy, 25 (DEE25). Also called: Epileptic encephalopathy, early infantile, 25; Developmental and epileptic encephalopathy 25, with amelogenesis imperfecta; Epileptic encephalopathy, early infantile, 25, with amelogenesis imperfecta. Identifiers: Orphanet 442835, MedGen C4014621, MONDO:0014392, OMIM 615905.

Allele frequency attached by ClinVar (database versions not stated): gnomAD 0.00001; TOPMed 0.00002.
gnomAD v4.1: 58 of 1,614,004 alleles (0.0036%); highest among the groups gnomAD compares: Non-Finnish European, 0.0048%; no homozygotes.

Submissions (2):

Ambry Genetics
Classification: Uncertain significance for Inborn genetic diseases. Last evaluated: 2022-12-13. Review status: criteria provided, single submitter. Criteria: Ambry Variant Classification Scheme 2023. Collection method: clinical testing. Allele origin: germline.

Labcorp Genetics (formerly Invitae), Labcorp
Classification: Uncertain significance for Developmental and epileptic encephalopathy, 25. Last evaluated: 2022-07-26. Review status: criteria provided, single submitter. Criteria: Invitae Variant Classification Sherloc (09022015). Collection method: clinical testing. Allele origin: germline.
Comment: This sequence change replaces glycine, which is neutral and non-polar, with aspartic acid, which is acidic and polar, at codon 190 of the SLC13A5 protein (p.Gly190Asp). This variant is present in population databases (rs766313348, gnomAD 0.005%). This variant has not been reported in the literature in individuals affected with SLC13A5-related conditions. ClinVar contains an entry for this variant (Variation ID: 940383). Algorithms developed to predict the effect of missense changes on protein structure and function output the following: SIFT: "Tolerated"; PolyPhen-2: "Benign"; Align-GVGD: "Class C0". The aspartic acid amino acid residue is found in multiple mammalian species, which suggests that this missense change does not adversely affect protein function. In summary, the available evidence is currently insufficient to determine the role of this variant in disease. Therefore, it has been classified as a Variant of Uncertain Significance.